The following is an entry in ClinVar:

ClinVar aggregate classification (germline): Pathogenic. Review status: reviewed by expert panel (3 of 4 stars). 6 submissions from 6 submitters: Pathogenic (1). 5 of the submissions do not count toward it. Last evaluated 2016-10-18.

Conditions:
Hereditary cancer-predisposing syndrome. Also called: Tumor predisposition; Hereditary Cancer Syndrome; Hereditary neoplastic syndrome; Neoplastic Syndromes, Hereditary. Identifiers: Orphanet 140162, MedGen C0027672, MeSH D009386, MONDO:0015356.
Hereditary breast ovarian cancer syndrome. Also called: Hereditary breast and ovarian cancer; Breast and ovarian cancer; BRCA1- and BRCA2-Associated Hereditary Breast and Ovarian Cancer; Hereditary breast and ovarian cancer syndrome; Hereditary breast and ovarian cancer syndrome (HBOC); Hereditary breast and/or ovarian cancer syndrome. Identifiers: Orphanet 145, MedGen C0677776, MeSH D061325, MONDO:0003582. Disease mechanism: loss of function.
Breast-ovarian cancer, familial, susceptibility to, 2 (BROVCA2). Also called: BRCA2 Hereditary Breast and Ovarian Cancer. Identifiers: Orphanet 145, MedGen C2675520, MONDO:0012933, OMIM 612555. Disease mechanism: loss of function.

Submissions (6):

Evidence-based Network for the Interpretation of Germline Mutant Alleles (ENIGMA)
Classification: Pathogenic for Breast-ovarian cancer, familial, susceptibility to, 2. Last evaluated: 2016-10-18. Review status: reviewed by expert panel. Criteria: ENIGMA BRCA1/2 Classification Criteria (2015). Collection method: curation. Allele origin: germline.
Comment: Variant allele predicted to encode a truncated non-functional protein.

Ambry Genetics
Classification: Pathogenic for Hereditary cancer-predisposing syndrome. Last evaluated: 2024-10-10. Review status: criteria provided, single submitter. Criteria: Ambry Variant Classification Scheme 2023. Collection method: clinical testing. Allele origin: germline. Not counted in ClinVar's aggregate classification.
Comment: The c.6039delA pathogenic mutation, located in coding exon 10 of the BRCA2 gene, results from a deletion of one nucleotide at nucleotide position 6039, causing a translational frameshift with a predicted alternate stop codon (p.V2014Yfs*26). This variant is considered to be rare based on population cohorts in the Genome Aggregation Database (gnomAD). This alteration is expected to result in loss of function by premature protein truncation or nonsense-mediated mRNA decay. As such, this alteration is interpreted as a disease-causing mutation.

GeneDx
Classification: Pathogenic. Last evaluated: 2022-06-07. Review status: criteria provided, single submitter. Criteria: GeneDx Variant Classification Process June 2021. Collection method: clinical testing. Allele origin: germline. Affected: yes. Not counted in ClinVar's aggregate classification.
Comment: Frameshift variant predicted to result in protein truncation or nonsense mediated decay in a gene for which loss of function is a known mechanism of disease; Observed in individuals with a personal or family history consistent with pathogenic variants in this gene (Tedaldi 2017, Santonocito 2020, Rapposelli 2021); Truncating variants in this gene are considered pathogenic by a well-established clinical consortium and/or database; Not observed at significant frequency in large population cohorts (gnomAD); Also known as 6267delA; This variant is associated with the following publications: (PMID: 28423363, 32438681, 34034685)

Labcorp Genetics (formerly Invitae), Labcorp
Classification: Pathogenic for Hereditary breast ovarian cancer syndrome. Last evaluated: 2021-08-18. Review status: criteria provided, single submitter. Criteria: Invitae Variant Classification Sherloc (09022015). Collection method: clinical testing. Allele origin: germline. Not counted in ClinVar's aggregate classification.
Comment: For these reasons, this variant has been classified as Pathogenic. ClinVar contains an entry for this variant (Variation ID: 233786). This premature translational stop signal has been observed in individual(s) with breast cancer (PMID: 28423363). This variant is not present in population databases (ExAC no frequency). This sequence change creates a premature translational stop signal (p.Val2014Tyrfs*26) in the BRCA2 gene. It is expected to result in an absent or disrupted protein product. Loss-of-function variants in BRCA2 are known to be pathogenic (PMID: 20104584).

Mendelics
Classification: Likely pathogenic for Breast-ovarian cancer, familial, susceptibility to, 2. Last evaluated: 2019-05-28. Review status: criteria provided, single submitter. Criteria: Mendelics Assertion Criteria 2017. Collection method: clinical testing. Allele origin: unknown. Not counted in ClinVar's aggregate classification.

Consortium of Investigators of Modifiers of BRCA1/2 (CIMBA), c/o University of Cambridge
Classification: Pathogenic for Breast-ovarian cancer, familial, susceptibility to, 2. Last evaluated: 2015-10-02. Review status: criteria provided, single submitter. Criteria: CIMBA Mutation Classification guidelines May 2016. Collection method: clinical testing. Allele origin: germline. Not counted in ClinVar's aggregate classification.

Literature cited by the submitters: PubMed 28423363 (cited by Labcorp Genetics (formerly Invitae), Labcorp); PubMed 20104584 (cited by Labcorp Genetics (formerly Invitae), Labcorp).

NM_000059.4(BRCA2):c.6039del (p.Val2014fs)

Gene: BRCA2 (BRCA2 DNA repair associated; plus strand). Cytogenetic location: 13q13.1.
Variant type: Deletion.
Coding change: c.6039del on transcript NM_000059.4 (MANE Select); coding-DNA position 6039, one base deleted (A; older notation c.6039delA).
Protein change: p.Val2014fs; shifts the reading frame from valine 2014.
Genome position (GRCh38, 1-based): chr13:32,340,394, A deleted; the last of 3 consecutive A bases (chr13:32,340,392-32,340,394); deleting any one gives the same sequence. VCF-style (leftmost placement, unchanged base first): chr13-32340391-CA-C. GRCh37 (hg19) VCF-style: chr13-32914528-CA-C.
Other names: 6265delA; c.6039delA (NM_000059.3); short protein forms V2014fs.
Identifiers: ClinVar variation 233786 (VCV000233786.18), dbSNP rs876660637, ClinGen allele CA10579677.